The following is an entry in ClinVar:

ClinVar aggregate classification (germline): Uncertain significance (1 of 4 stars; one submission).

Conditions:
Ataxia-telangiectasia syndrome (AT). Also called: Ataxia-telangiectasia, complementation group D; AT, COMPLEMENTATION GROUP C; Ataxia telangiectasia (A-T); Cerebello-oculocutaneous telangiectasia; Immunodeficiency with ataxia telangiectasia; Ataxia-telangiectasia. Identifiers: Orphanet 100, MedGen C0004135, MONDO:0008840, OMIM 208900.

Submission:

Labcorp Genetics (formerly Invitae), Labcorp
Classification: Uncertain significance for Ataxia-telangiectasia syndrome. Last evaluated: 2024-05-13. Review status: criteria provided, single submitter. Criteria: Invitae Variant Classification Sherloc (09022015). Collection method: clinical testing. Allele origin: germline.
Comment: This sequence change replaces methionine, which is neutral and non-polar, with lysine, which is basic and polar, at codon 1349 of the ATM protein (p.Met1349Lys). This variant is not present in population databases (gnomAD no frequency). This variant has not been reported in the literature in individuals affected with ATM-related conditions. ClinVar contains an entry for this variant (Variation ID: 840551). An algorithm developed to predict the effect of missense changes on protein structure and function (PolyPhen-2) suggests that this variant is likely to be disruptive. In summary, the available evidence is currently insufficient to determine the role of this variant in disease. Therefore, it has been classified as a Variant of Uncertain Significance.

NM_000051.4(ATM):c.4046T>A (p.Met1349Lys)

Gene: ATM (ATM serine/threonine kinase; plus strand). Cytogenetic location: 11q22.3.
Variant type: single nucleotide variant.
Coding change: c.4046T>A on transcript NM_000051.4 (MANE Select); coding-DNA position 4046, T replaced by A.
Protein change: p.Met1349Lys; replaces methionine 1349 with lysine.
Molecular consequence: missense variant.
Genome position (GRCh38, 1-based): chr11:108,287,652, T>A. VCF-style: chr11-108287652-T-A. GRCh37 (hg19) VCF-style: chr11-108158379-T-A.
Other names: c.4046T>A, p.Met1349Lys (NM_001351834.2); short protein forms M1349K.
Identifiers: ClinVar variation 840551 (VCV000840551.9), dbSNP rs2082561438, ClinGen allele CA382527839.
Genomic context (GRCh38, chr11:108,287,652, plus strand): 5'-CCTTGCAGATTGATCACTTATTCATTAGTAATTTACCAGAGATTGTGGTGGAGTTATTGA[T>A]GACGTTACATGAGCCAGCAAATTCTAGTGCCAGTCAGAGCACTGACCTCTGTGACTTTTC-3'
Protein context (NP_000042.3, residues 1339-1359): NLPEIVVELL[Met1349Lys]TLHEPANSSA